The following is an entry in ClinVar:

ClinVar aggregate classification (germline): Uncertain significance. Review status: criteria provided, multiple submitters, no conflicts (2 of 4 stars). 4 submissions from 4 submitters: Uncertain significance (4). Last evaluated 2026-03-05.

Conditions:
Cardiovascular phenotype. Identifiers: MedGen CN230736.
Cutis laxa, autosomal recessive, type 1B (ARCL1B). Also called: CUTIS LAXA, AUTOSOMAL RECESSIVE, TYPE IB; EFEMP2-Related Cutis Laxa. Identifiers: Orphanet 90349, MedGen C3280798, MONDO:0013754, OMIM 614437. Disease mechanism: loss of function.

Allele frequency attached by ClinVar (database versions not stated): TOPMed 0.00007; ESP Exome Variant Server 0.00008; gnomAD 0.00003 and 0.00004; gnomAD exomes 0.00005 and 0.00008; ExAC 0.00007.
gnomAD v4.1: 124 of 1,613,920 alleles (0.0077%); highest among the groups gnomAD compares: Non-Finnish European, 0.0097%; no homozygotes.

Submissions (4):

Women's Health and Genetics/Laboratory Corporation of America, LabCorp
Classification: Uncertain significance. Last evaluated: 2026-03-05. Review status: criteria provided, single submitter. Criteria: LabCorp Variant Classification Summary - May 2015. Collection method: clinical testing. Allele origin: germline.

Ambry Genetics
Classification: Uncertain significance for Cardiovascular phenotype. Last evaluated: 2025-07-21. Review status: criteria provided, single submitter. Criteria: Ambry Variant Classification Scheme 2023. Collection method: clinical testing. Allele origin: germline.
Comment: The p.E94K variant (also known as c.280G>A), located in coding exon 3 of the EFEMP2 gene, results from a G to A substitution at nucleotide position 280. The glutamic acid at codon 94 is replaced by lysine, an amino acid with similar properties. This amino acid position is well conserved in available vertebrate species. In addition, the in silico prediction for this alteration is inconclusive. Since supporting evidence is limited at this time, the clinical significance of this alteration remains unclear.

GeneDx
Classification: Uncertain significance. Last evaluated: 2024-07-24. Review status: criteria provided, single submitter. Criteria: GeneDx Variant Classification Process June 2021. Collection method: clinical testing. Allele origin: germline. Affected: yes.
Comment: Not observed at significant frequency in large population cohorts (gnomAD); In silico analysis indicates that this missense variant does not alter protein structure/function; Has not been previously published as pathogenic or benign to our knowledge

Labcorp Genetics (formerly Invitae), Labcorp
Classification: Uncertain significance for Cutis laxa, autosomal recessive, type 1B. Last evaluated: 2022-06-27. Review status: criteria provided, single submitter. Criteria: Invitae Variant Classification Sherloc (09022015). Collection method: clinical testing. Allele origin: germline.
Comment: This sequence change replaces glutamic acid, which is acidic and polar, with lysine, which is basic and polar, at codon 94 of the EFEMP2 protein (p.Glu94Lys). This variant is present in population databases (rs370848091, gnomAD 0.01%). This variant has not been reported in the literature in individuals affected with EFEMP2-related conditions. ClinVar contains an entry for this variant (Variation ID: 648809). Algorithms developed to predict the effect of missense changes on protein structure and function are either unavailable or do not agree on the potential impact of this missense change (SIFT: "Deleterious"; PolyPhen-2: "Benign"; Align-GVGD: "Class C0"). In summary, the available evidence is currently insufficient to determine the role of this variant in disease. Therefore, it has been classified as a Variant of Uncertain Significance.

NM_016938.5(EFEMP2):c.280G>A (p.Glu94Lys)

Gene: EFEMP2 (EGF-like fibulin extracellular matrix protein 2; minus strand). Cytogenetic location: 11q13.1.
Variant type: single nucleotide variant.
Coding change: c.280G>A on transcript NM_016938.5 (MANE Select); coding-DNA position 280, G replaced by A.
Protein change: p.Glu94Lys; replaces glutamic acid 94 with lysine.
Molecular consequence: missense variant. On other transcripts: non-coding transcript variant (1).
Genome position (GRCh38, 1-based): chr11:65,871,244, C>T on the plus strand (G>A on the coding strand, the complement: EFEMP2 is on the minus strand). VCF-style: chr11-65871244-C-T. GRCh37 (hg19) VCF-style: chr11-65638715-C-T.
Other names: short protein forms E94K.
Identifiers: ClinVar variation 648809 (VCV000648809.14), dbSNP rs370848091, ClinGen allele CA6110729.